The following is an entry in ClinVar:

ClinVar aggregate classification (germline): Likely benign. Review status: criteria provided, single submitter (1 of 4 stars). 2 submissions from 2 submitters: Likely benign (1). 1 of the submissions does not count toward it. Last evaluated 2026-01-28.

Conditions:
ELAC2-related disorder. Also called: ELAC2-related condition.
Combined oxidative phosphorylation defect type 17. Also called: Combined oxidative phosphorylation deficiency 17. Identifiers: Orphanet 369913, MedGen C3809526, MONDO:0014190, OMIM 615440.

Allele frequency attached by ClinVar (database versions not stated): gnomAD exomes 0.00002 and 0.00005; ExAC 0.00008; gnomAD 0.00025 and 0.00027; TOPMed 0.00028; ESP Exome Variant Server 0.00038.
gnomAD v4.1: 70 of 1,612,864 alleles (0.0043%); highest among the groups gnomAD compares: African/African-American, 0.092%; no homozygotes.

Submissions (2):

Labcorp Genetics (formerly Invitae), Labcorp
Classification: Likely benign for Combined oxidative phosphorylation defect type 17. Last evaluated: 2026-01-28. Review status: criteria provided, single submitter. Criteria: Invitae Variant Classification Sherloc (09022015). Collection method: clinical testing. Allele origin: germline.

PreventionGenetics, part of Exact Sciences
Classification: Likely benign for ELAC2-related condition. Last evaluated: 2019-11-26. Review status: no assertion criteria provided. Collection method: clinical testing. Allele origin: germline. Not counted in ClinVar's aggregate classification.
Comment: This variant is classified as likely benign based on ACMG/AMP sequence variant interpretation guidelines (Richards et al. 2015 PMID: 25741868, with internal and published modifications).

NM_018127.7(ELAC2):c.1740C>T (p.Ala580=)

Gene: ELAC2 (elaC ribonuclease Z 2; minus strand). Cytogenetic location: 17p12.
Variant type: single nucleotide variant.
Coding change: c.1740C>T on transcript NM_018127.7 (MANE Select); coding-DNA position 1740, C replaced by T.
Protein change: p.Ala580=; no amino-acid change (alanine 580 retained).
Molecular consequence: synonymous variant.
Genome position (GRCh38, 1-based): chr17:12,995,771, G>A on the plus strand (C>T on the coding strand, the complement: ELAC2 is on the minus strand). VCF-style: chr17-12995771-G-A. GRCh37 (hg19) VCF-style: chr17-12899088-G-A.
Other names: c.1620C>T, p.Ala540= (NM_001165962.2); c.1737C>T, p.Ala579= (NM_173717.2).
Identifiers: ClinVar variation 784736 (VCV000784736.11), dbSNP rs148050183, ClinGen allele CA8401077.